The following is an entry in ClinVar:

ClinVar aggregate classification (germline): Uncertain significance (1 of 4 stars; one submission).

Conditions:
Cardiovascular phenotype. Identifiers: MedGen CN230736.

Allele frequency attached by ClinVar (database versions not stated): TOPMed below 0.00001.
gnomAD v4.1: 8 of 1,613,532 alleles (0.0005%); highest among the groups gnomAD compares: Non-Finnish European, 0.00068%; no homozygotes.

Submission:

Ambry Genetics
Classification: Uncertain significance for Cardiovascular phenotype. Last evaluated: 2019-10-08. Review status: criteria provided, single submitter. Criteria: Ambry Variant Classification Scheme 2023. Collection method: clinical testing. Allele origin: germline.
Comment: The p.V2232F variant (also known as c.6694G>T), located in coding exon 28 of the TTN gene, results from a G to T substitution at nucleotide position 6694. The valine at codon 2232 is replaced by phenylalanine, an amino acid with highly similar properties. This amino acid position is highly conserved in available vertebrate species. In addition, the in silico prediction for this alteration is inconclusive. Since supporting evidence is limited at this time, the clinical significance of this alteration remains unclear.

NM_001267550.2(TTN):c.6832G>T (p.Val2278Phe)

Genes: TTN (titin; minus strand), LOC126806433 (BRD4-independent group 4 enhancer GRCh37_chr2:179638309-179639508; plus strand). Cytogenetic location: 2q31.2.
Variant type: single nucleotide variant.
Coding change: c.6832G>T on transcript NM_001267550.2 (MANE Select); coding-DNA position 6832, G replaced by T.
Protein change: p.Val2278Phe; replaces valine 2278 with phenylalanine.
Molecular consequence: missense variant.
Genome position (GRCh38, 1-based): chr2:178,774,432, C>A on the plus strand (G>T on the coding strand, the complement: TTN is on the minus strand). VCF-style: chr2-178774432-C-A. GRCh37 (hg19) VCF-style: chr2-179639159-C-A.
Other names: c.6832G>T, p.Val2278Phe (NM_001256850.1, NM_133378.4, NM_133379.5); c.6694G>T, p.Val2232Phe (NM_003319.4, NM_133432.3, NM_133437.4); short protein forms V2278F, V2232F.
Identifiers: ClinVar variation 1754925 (VCV001754925.2), dbSNP rs779274451, ClinGen allele CA2004955.